The following is an entry in ClinVar:

ClinVar aggregate classification (germline): Pathogenic (1 of 4 stars; one submission).

Submission:

Labcorp Genetics (formerly Invitae), Labcorp
Classification: Pathogenic. Last evaluated: 2022-07-12. Review status: criteria provided, single submitter. Criteria: Invitae Variant Classification Sherloc (09022015). Collection method: clinical testing. Allele origin: germline.
Comment: For these reasons, this variant has been classified as Pathogenic. ClinVar contains an entry for this variant (Variation ID: 1391771). This variant has not been reported in the literature in individuals affected with ABCA4-related conditions. This variant is not present in population databases (gnomAD no frequency). This sequence change creates a premature translational stop signal (p.Asn529Argfs*2) in the ABCA4 gene. It is expected to result in an absent or disrupted protein product. Loss-of-function variants in ABCA4 are known to be pathogenic (PMID: 10958761, 24938718, 25312043, 26780318).

Literature cited by the submitters: PubMed 10958761; PubMed 24938718; PubMed 25312043; PubMed 26780318.

NM_000350.3(ABCA4):c.1586_1587del (p.Asn529fs)

Gene: ABCA4 (ATP binding cassette subfamily A member 4; minus strand). Cytogenetic location: 1p22.1.
Variant type: Deletion.
Coding change: c.1586_1587del on transcript NM_000350.3 (MANE Select); coding-DNA positions 1586 to 1587, 2 bases deleted (AT; older notation c.1586_1587delAT).
Protein change: p.Asn529fs; shifts the reading frame from asparagine 529.
Molecular consequence: frameshift variant.
Genome position (GRCh38, 1-based): chr1:94,063,285-94,063,286, AT deleted on the plus strand (AT on the coding strand, the reverse complement: ABCA4 is on the minus strand). VCF-style (leftmost placement, unchanged base first): chr1-94063284-CAT-C. GRCh37 (hg19) VCF-style: chr1-94528840-CAT-C.
Other names: c.1586_1587delAT, p.Asn529Argfs (NM_001425324.1); short protein forms N529fs.
Identifiers: ClinVar variation 1391771 (VCV001391771.6), dbSNP rs2101079369, ClinGen allele CA2573132711.